The following is an entry in ClinVar:

ClinVar aggregate classification (germline): Uncertain significance (1 of 4 stars; one submission).

Submission:

Labcorp Genetics (formerly Invitae), Labcorp
Classification: Uncertain significance. Last evaluated: 2021-11-19. Review status: criteria provided, single submitter. Criteria: Invitae Variant Classification Sherloc (09022015). Collection method: clinical testing. Allele origin: germline.
Comment: This variant is not present in population databases (gnomAD no frequency). In summary, the available evidence is currently insufficient to determine the role of this variant in disease. Therefore, it has been classified as a Variant of Uncertain Significance. Advanced modeling of protein sequence and biophysical properties (such as structural, functional, and spatial information, amino acid conservation, physicochemical variation, residue mobility, and thermodynamic stability) performed at Invitae indicates that this missense variant is expected to disrupt CPLANE1 protein function. This variant has not been reported in the literature in individuals affected with CPLANE1-related conditions. This sequence change replaces phenylalanine, which is neutral and non-polar, with serine, which is neutral and polar, at codon 86 of the CPLANE1 protein (p.Phe86Ser).

NM_001384732.1(CPLANE1):c.257T>C (p.Phe86Ser)

Gene: CPLANE1 (ciliogenesis and planar polarity effector complex subunit 1; minus strand). Cytogenetic location: 5p13.2.
Variant type: single nucleotide variant.
Coding change: c.257T>C on transcript NM_001384732.1 (MANE Select); coding-DNA position 257, T replaced by C.
Protein change: p.Phe86Ser; replaces phenylalanine 86 with serine.
Molecular consequence: missense variant.
Genome position (GRCh38, 1-based): chr5:37,245,559, A>G on the plus strand (T>C on the coding strand, the complement: CPLANE1 is on the minus strand). VCF-style: chr5-37245559-A-G. GRCh37 (hg19) VCF-style: chr5-37245661-A-G.
Other names: c.257T>C, p.Phe86Ser (NM_023073.4); short protein forms F86S.
Identifiers: ClinVar variation 1394172 (VCV001394172.6), dbSNP rs2150824079, ClinGen allele CA359523461.
Genomic context (GRCh38, chr5:37,245,559, plus strand): 5'-TCCTTAGGCTTTTCAGTTATTGGTATAGTTTTCAAACAATCTTGATCTTTGTTCCAAAGG[A>G]AAAGCTCTCCTGTAGTTAGTACCCCAGCCAGCCAGGCATCTGTTTCCAAAAATGAAATGC-3'
Protein context (NP_001371661.1, residues 76-96): LAGVLTTGEL[Phe86Ser]LWNKDQDCLK